The following is an entry in ClinVar:

NM_000092.5(COL4A4):c.1395C>T (p.Pro465=)

Gene: COL4A4 (collagen type IV alpha 4 chain; minus strand). Cytogenetic location: 2q36.3.
Variant type: single nucleotide variant.
Coding change: c.1395C>T on transcript NM_000092.5 (MANE Select); coding-DNA position 1395, C replaced by T.
Protein change: p.Pro465=; no amino-acid change (proline 465 retained).
Molecular consequence: synonymous variant.
Genome position (GRCh38, 1-based): chr2:227,089,932, G>A on the plus strand (C>T on the coding strand, the complement: COL4A4 is on the minus strand). VCF-style: chr2-227089932-G-A. GRCh37 (hg19) VCF-style: chr2-227954648-G-A.
Identifiers: ClinVar variation 796994 (VCV000796994.14), dbSNP rs771419084, ClinGen allele CA2145176.
Genomic context (GRCh38, chr2:227,089,932, plus strand): 5'-TTCTCCTTTTGGGCCTCTTCCTCCTGGGGGACCAACTTTGCCTTTTATTCCTTGTGGTCC[G>A]GGGTTCCCAACACTACAGTATATCACTGTCAAGGAGGTAAGGGGGTGGGCAGAGAGAATC-3'
Protein context (NP_000083.3, residues 455-475): SSVIYCSVGN[Pro465=]GPQGIKGKVG

ClinVar aggregate classification (germline): Likely benign. Review status: criteria provided, multiple submitters, no conflicts (2 of 4 stars). 4 submissions from 4 submitters: Likely benign (3). 1 of the submissions does not count toward it. Last evaluated 2026-07-01.

Conditions:
COL4A4-related disorder.
Alport syndrome. Also called: Hemorrhagic familial nephritis; Hemorrhagic hereditary nephritis; Congenital hereditary hematuria. Identifiers: Orphanet 63, MedGen C1567741, MONDO:0018965.

Allele frequency attached by ClinVar (database versions not stated): gnomAD 0.00001; ExAC 0.00002; gnomAD exomes 0.00002; TOPMed 0.00003.
gnomAD v4.1: 32 of 1,613,320 alleles (0.002%); highest among the groups gnomAD compares: Middle Eastern, 0.016%; no homozygotes.

Submissions (4):

CeGaT Center for Human Genetics Tuebingen
Classification: Likely benign. Last evaluated: 2026-07-01. Review status: criteria provided, single submitter. Criteria: CeGaT Center For Human Genetics Tuebingen Variant Classification Criteria Version 2. Collection method: clinical testing. Allele origin: germline. Affected: yes. Observed: 1 variant allele.
Comment: COL4A4: BP4, BP7

PreventionGenetics, part of Exact Sciences
Classification: Likely benign for COL4A4-related condition. Last evaluated: 2025-10-08. Review status: criteria provided, single submitter. Criteria: ACMG Guidelines, 2015. Collection method: clinical testing. Allele origin: germline.
Comment: This variant is classified as likely benign based on ACMG/AMP sequence variant interpretation guidelines (Richards et al. 2015 PMID: 25741868, with internal and published modifications).

Labcorp Genetics (formerly Invitae), Labcorp
Classification: Likely benign. Last evaluated: 2025-07-21. Review status: criteria provided, single submitter. Criteria: Invitae Variant Classification Sherloc (09022015). Collection method: clinical testing. Allele origin: germline.

Natera, Inc.
Classification: Uncertain significance for Alport syndrome. Last evaluated: 2020-03-17. Review status: no assertion criteria provided. Collection method: clinical testing. Allele origin: germline. Not counted in ClinVar's aggregate classification.